The following is an entry in ClinVar:

ClinVar aggregate classification (germline): Uncertain significance (1 of 4 stars; one submission).

gnomAD v4.1: 14 of 1,613,428 alleles (0.00087%); highest among the groups gnomAD compares: East Asian, 0.027%; no homozygotes.

Submission:

Labcorp Genetics (formerly Invitae), Labcorp
Classification: Uncertain significance. Last evaluated: 2025-10-09. Review status: criteria provided, single submitter. Criteria: Invitae Variant Classification Sherloc (09022015). Collection method: clinical testing. Allele origin: germline.
Comment: This sequence change replaces proline, which is neutral and non-polar, with alanine, which is neutral and non-polar, at codon 98 of the DSTYK protein (p.Pro98Ala). This variant is present in population databases (rs755305796, gnomAD 0.07%), and has an allele count higher than expected for a pathogenic variant. This variant has not been reported in the literature in individuals affected with DSTYK-related conditions. An algorithm developed to predict the effect of missense changes on protein structure and function (PolyPhen-2) suggests that this variant is likely to be tolerated. Algorithms developed to predict the effect of sequence changes on RNA splicing suggest that this variant may create or strengthen a splice site. In summary, the available evidence is currently insufficient to determine the role of this variant in disease. Therefore, it has been classified as a Variant of Uncertain Significance.

NM_015375.3(DSTYK):c.292C>G (p.Pro98Ala)

Gene: DSTYK (dual serine/threonine and tyrosine protein kinase; minus strand). Cytogenetic location: 1q32.1.
Variant type: single nucleotide variant.
Coding change: c.292C>G on transcript NM_015375.3 (MANE Select); coding-DNA position 292, C replaced by G.
Protein change: p.Pro98Ala; replaces proline 98 with alanine.
Molecular consequence: missense variant.
Genome position (GRCh38, 1-based): chr1:205,187,780, G>C on the plus strand (C>G on the coding strand, the complement: DSTYK is on the minus strand). VCF-style: chr1-205187780-G-C. GRCh37 (hg19) VCF-style: chr1-205156908-G-C.
Other names: c.292C>G, p.Pro98Ala (NM_199462.3); short protein forms P98A.
Identifiers: ClinVar variation 4695968 (VCV004695968.1).